The following is an entry in ClinVar:

ClinVar aggregate classification (germline): Pathogenic (1 of 4 stars; one submission).

Submission:

Labcorp Genetics (formerly Invitae), Labcorp
Classification: Pathogenic. Last evaluated: 2024-02-14. Review status: criteria provided, single submitter. Criteria: Invitae Variant Classification Sherloc (09022015). Collection method: clinical testing. Allele origin: germline.
Comment: This sequence change creates a premature translational stop signal (p.Trp356*) in the TNFAIP3 gene. It is expected to result in an absent or disrupted protein product. Loss-of-function variants in TNFAIP3 are known to be pathogenic (PMID: 26642243). This variant is not present in population databases (gnomAD no frequency). This variant has not been reported in the literature in individuals affected with TNFAIP3-related conditions. For these reasons, this variant has been classified as Pathogenic.

Literature cited by the submitters: PubMed 26642243.

NM_001270508.2(TNFAIP3):c.1068G>A (p.Trp356Ter)

Gene: TNFAIP3 (TNF alpha induced protein 3; plus strand). Cytogenetic location: 6q23.3.
Variant type: single nucleotide variant.
Coding change: c.1068G>A on transcript NM_001270508.2 (MANE Select); coding-DNA position 1068, G replaced by A.
Protein change: p.Trp356Ter; replaces tryptophan 356 with a stop codon.
Molecular consequence: nonsense.
Genome position (GRCh38, 1-based): chr6:137,878,513, G>A. VCF-style: chr6-137878513-G-A. GRCh37 (hg19) VCF-style: chr6-138199650-G-A.
Other names: c.1068G>A, p.Trp356Ter (NM_001270507.2, NM_006290.4); short protein forms W356*.
Identifiers: ClinVar variation 2711364 (VCV002711364.3), dbSNP rs888517622, ClinGen allele CA365788402.
Genomic context (GRCh38, chr6:137,878,513, plus strand): 5'-AAAAGAAATCAATCTGGTAGATGATTACTTTGAACTTGTTCAGCATGAGTACAAGAAATG[G>A]CAGGAAAACAGCGAGCAGGGGAGGAGAGAGGGGCACGCCCAGAATCCCATGGAACCTTCC-3'